The following is an entry in ClinVar:

NM_005228.5(EGFR):c.3014A>T (p.Glu1005Val)

Gene: EGFR (epidermal growth factor receptor; plus strand). Cytogenetic location: 7p11.2.
Variant type: single nucleotide variant.
Coding change: c.3014A>T on transcript NM_005228.5 (MANE Select); coding-DNA position 3014, A replaced by T.
Protein change: p.Glu1005Val; replaces glutamic acid 1005 with valine.
Molecular consequence: missense variant.
Genome position (GRCh38, 1-based): chr7:55,201,255, A>T. VCF-style: chr7-55201255-A-T. GRCh37 (hg19) VCF-style: chr7-55268948-A-T.
Other names: c.2879A>T, p.Glu960Val (NM_001346897.2, NM_001346899.2); c.3014A>T, p.Glu1005Val (NM_001346898.2); c.2855A>T, p.Glu952Val (NM_001346900.2); c.2213A>T, p.Glu738Val (NM_001346941.2); short protein forms E738V, E960V, E1005V, E952V.
Identifiers: ClinVar variation 1037590 (VCV001037590.8), dbSNP rs1787834506, ClinGen allele CA367582481.

ClinVar aggregate classification (germline): Uncertain significance (1 of 4 stars; one submission).

Conditions:
EGFR-related lung cancer (EGFR). Identifiers: MedGen CN130014.

Submission:

Labcorp Genetics (formerly Invitae), Labcorp
Classification: Uncertain significance for EGFR-related lung cancer. Last evaluated: 2020-03-05. Review status: criteria provided, single submitter. Criteria: Invitae Variant Classification Sherloc (09022015). Collection method: clinical testing. Allele origin: germline.
Comment: This sequence change replaces glutamic acid with valine at codon 1005 of the EGFR protein (p.Glu1005Val). The glutamic acid residue is moderately conserved and there is a moderate physicochemical difference between glutamic acid and valine. This variant is not present in population databases (ExAC no frequency). This variant has not been reported in the literature in individuals with EGFR-related conditions. Algorithms developed to predict the effect of missense changes on protein structure and function are either unavailable or do not agree on the potential impact of this missense change (SIFT: "Deleterious"; PolyPhen-2: "Benign"; Align-GVGD: "Class C0"). In summary, the available evidence is currently insufficient to determine the role of this variant in disease. Therefore, it has been classified as a Variant of Uncertain Significance.